The following is an entry in ClinVar:

ClinVar aggregate classification (germline): Uncertain significance (1 of 4 stars; one submission).

Submission:

Labcorp Genetics (formerly Invitae), Labcorp
Classification: Uncertain significance. Last evaluated: 2022-08-31. Review status: criteria provided, single submitter. Criteria: Invitae Variant Classification Sherloc (09022015). Collection method: clinical testing. Allele origin: germline.
Comment: This variant has not been reported in the literature in individuals affected with COQ2-related conditions. Algorithms developed to predict the effect of missense changes on protein structure and function are either unavailable or do not agree on the potential impact of this missense change (SIFT: "Not Available"; PolyPhen-2: "Benign"; Align-GVGD: "Not Available"). In summary, the available evidence is currently insufficient to determine the role of this variant in disease. Therefore, it has been classified as a Variant of Uncertain Significance. This sequence change replaces alanine, which is neutral and non-polar, with leucine, which is neutral and non-polar, at codon 112 of the COQ2 protein (p.Ala112Leu). Information on the frequency of this variant in the gnomAD database is not available, as this variant may be reported differently in the database.

NM_001358921.2(COQ2):c.184_185delinsTT (p.Ala62Leu)

Genes: COQ2 (coenzyme Q2, polyprenyltransferase; minus strand), LOC112997540 (Sharpr-MPRA regulatory region 13773; plus strand). Cytogenetic location: 4q21.23.
Variant type: Indel.
Coding change: c.184_185delinsTT on transcript NM_001358921.2 (MANE Select); coding-DNA positions 184 to 185, GC replaced by TT.
Protein change: p.Ala62Leu; replaces alanine 62 with leucine.
Molecular consequence: missense variant.
Genome position (GRCh38, 1-based): chr4:83,284,580-83,284,581, GC replaced by AA on the plus strand (GC replaced by TT on the coding strand, the reverse complement: COQ2 is on the minus strand). VCF-style: chr4-83284580-GC-AA. GRCh37 (hg19) VCF-style: chr4-84205733-GC-AA.
Other names: c.334_335delinsTT, p.Ala112Leu (NM_015697.9); short protein forms A112L, A62L.
Identifiers: ClinVar variation 2059941 (VCV002059941.4), dbSNP rs2529781011, ClinGen allele CA2580071838.
Genomic context (GRCh38, chr4:83,284,580, plus strand): 5'-TTGTCCAACCGCATGAGGCGCAAGTACGGCTGCAGGGGGCGGGGCGCAGAGTCCACCACC[GC>AA]CGCCGCGGACAAACTGAGCTGGCGCCCGCGCGGCTCGGGACAGGCGGGGGGCTGCAAGTC-3'
Protein context (NP_001345850.1, residues 52-72): RGRQLSLSAA[Ala62Leu]VVDSAPRPLQ